The following is an entry in ClinVar:

NC_012920.1(MT-ND2):m.4512G>A

Gene: MT-ND2 (mitochondrially encoded NADH dehydrogenase 2; plus strand).
Variant type: single nucleotide variant.
Genome position: chrM-4512-G-A.
Identifiers: ClinVar variation 692457 (VCV000692457.1), dbSNP rs1603219492, ClinGen allele CA414774632.
Genomic context (GRCh38, chrMT:4,512, plus strand): 5'-TATACCCTTCCCGTACTAATTAATCCCCTGGCCCAACCCGTCATCTACTCTACCATCTTT[G>A]CAGGCACACTCATCACAGCGCTAAGCTCGCACTGATTTTTTACCTGAGTAGGCCTAGAAA-3'

ClinVar aggregate classification (germline): Benign (1 of 4 stars; one submission).

Conditions:
Leigh syndrome (NULS). Also called: Leigh's necrotizing encephalopathy; Leigh's disease; Leigh Syndrome (mtDNA deletion); Leigh Disease; Subacute necrotizing encephalopathy; Necrotizing encephalopathy infantile subacute of Leigh. Identifiers: Orphanet 506, MedGen C2931891, MONDO:0009723, OMIM 256000.

Submission:

Wong Mito Lab, Molecular and Human Genetics, Baylor College of Medicine
Classification: Benign for Leigh syndrome. Last evaluated: 2019-10-17. Review status: criteria provided, single submitter. Criteria: Modified ACMG Guidelines (Unpublished). Collection method: clinical testing. Allele origin: germline.
Comment: The NC_012920.1:m.4512G>A (YP_003024027.1:p.Ala15Thr) variant in MTND2 gene is interpretated to be a Benign variant based on the modified ACMG guidelines (unpublished). This variant meets the following evidence codes: BS1, BS2, BP4